The following is an entry in ClinVar:

NM_001868.4(CPA1):c.696+5C>T

Gene: CPA1 (carboxypeptidase A1; plus strand). Cytogenetic location: 7q32.2.
Variant type: single nucleotide variant.
Coding change: c.696+5C>T on transcript NM_001868.4 (MANE Select); 5 bases into the intron after coding-DNA position 696, C replaced by T.
Molecular consequence: intron variant.
Genome position (GRCh38, 1-based): chr7:130,383,799, C>T. VCF-style: chr7-130383799-C-T. GRCh37 (hg19) VCF-style: chr7-130023640-C-T.
Identifiers: ClinVar variation 1037474 (VCV001037474.13), dbSNP rs528877594, ClinGen allele CA166890354.

ClinVar aggregate classification (germline): Uncertain significance. Review status: criteria provided, multiple submitters, no conflicts (2 of 4 stars). 3 submissions from 3 submitters: Uncertain significance (3). Last evaluated 2025-05-13.

Conditions:
Hereditary pancreatitis (PCTT). Also called: PRSS1-Related Hereditary Pancreatitis; Hereditary chronic pancreatitis. Identifiers: Orphanet 676, MedGen C0238339, MONDO:0008185, OMIM 167800.

Allele frequency attached by ClinVar (database versions not stated): gnomAD 0.00001 and 0.00002; gnomAD exomes 0.00001 and 0.00003; TOPMed 0.00002; 1000 Genomes Project 30x 0.00016; 1000 Genomes Project 0.00020.
gnomAD v4.1: 43 of 1,596,590 alleles (0.0027%); highest among the groups gnomAD compares: Admixed American, 0.0034%; no homozygotes.

Submissions (3):

Labcorp Genetics (formerly Invitae), Labcorp
Classification: Uncertain significance. Last evaluated: 2025-05-13. Review status: criteria provided, single submitter. Criteria: Invitae Variant Classification Sherloc (09022015). Collection method: clinical testing. Allele origin: germline.
Comment: This sequence change falls in intron 6 of the CPA1 gene. It does not directly change the encoded amino acid sequence of the CPA1 protein. It affects a nucleotide within the consensus splice site. This variant is present in population databases (rs528877594, gnomAD 0.003%). This variant has not been reported in the literature in individuals affected with CPA1-related conditions. ClinVar contains an entry for this variant (Variation ID: 1037474). Variants that disrupt the consensus splice site are a relatively common cause of aberrant splicing (PMID: 17576681, 9536098). Algorithms developed to predict the effect of sequence changes on RNA splicing suggest that this variant is not likely to affect RNA splicing. In summary, the available evidence is currently insufficient to determine the role of this variant in disease. Therefore, it has been classified as a Variant of Uncertain Significance.

Ambry Genetics
Classification: Uncertain significance for Hereditary pancreatitis. Last evaluated: 2024-08-21. Review status: criteria provided, single submitter. Criteria: Ambry Variant Classification Scheme 2023. Collection method: clinical testing. Allele origin: germline.
Comment: The c.696+5C>T intronic variant results from a C to T substitution 5 nucleotides after coding exon 6 in the CPA1 gene. This variant has been detected in a healthy control individual and was absent in chronic pancreatitis cases (Witt H et al. Nat Genet 2013. Oct;45(10):1216-20). This nucleotide position is poorly conserved in available vertebrate species. In silico splice site analysis predicts that this alteration will not have any significant effect on splicing. Based on the available evidence, the clinical significance of this variant remains unclear.

Sema4
Classification: Uncertain significance for Hereditary pancreatitis. Last evaluated: 2021-05-14. Review status: criteria provided, single submitter. Criteria: Sema4 Curation Guidelines. Collection method: curation. Allele origin: germline.
Comment: The CPA1 c.696+5C>T variant has not been reported in the literature to our knowledge. It was observed in 1/30608 chromosomes of the South Asian subpopulation in the large and broad cohorts of the Genome Aggregation Database. The variant has been reported in ClinVar (Variation ID 1037474). In silico tools suggest that the variant does not impact splicing, though these predictions have not been confirmed by functional studies. The evidence is insufficient to meet ACMG/AMP criteria for classifying the variant as benign or pathogenic. Thus, the clinical significance of this variant is currently uncertain.

Literature cited by the submitters: PubMed 17576681 (cited by Labcorp Genetics (formerly Invitae), Labcorp); PubMed 9536098 (cited by Labcorp Genetics (formerly Invitae), Labcorp); PubMed 23955596 (cited by Ambry Genetics).